The following is an entry in ClinVar:

ClinVar aggregate classification (germline): Uncertain significance. Review status: criteria provided, multiple submitters, no conflicts (2 of 4 stars). 2 submissions from 2 submitters: Uncertain significance (2). Last evaluated 2025-09-21.

gnomAD v4.1: 1 of 1,612,974 alleles (0.000062%); highest among the groups gnomAD compares: Non-Finnish European, 0.000085%; no homozygotes.

Submissions (2):

Labcorp Genetics (formerly Invitae), Labcorp
Classification: Uncertain significance. Last evaluated: 2025-09-21. Review status: criteria provided, single submitter. Criteria: Invitae Variant Classification Sherloc (09022015). Collection method: clinical testing. Allele origin: germline.
Comment: This sequence change replaces threonine, which is neutral and polar, with isoleucine, which is neutral and non-polar, at codon 1563 of the TOP2B protein (p.Thr1563Ile). This variant is not present in population databases (gnomAD no frequency). This variant has not been reported in the literature in individuals affected with TOP2B-related conditions. ClinVar contains an entry for this variant (Variation ID: 3181198). An algorithm developed to predict the effect of missense changes on protein structure and function (PolyPhen-2) suggests that this variant is likely to be tolerated. In summary, the available evidence is currently insufficient to determine the role of this variant in disease. Therefore, it has been classified as a Variant of Uncertain Significance.

Ambry Genetics
Classification: Uncertain significance. Last evaluated: 2024-01-17. Review status: criteria provided, single submitter. Criteria: Ambry Variant Classification Scheme 2023. Collection method: clinical testing. Allele origin: germline.

NM_001330700.2(TOP2B):c.4703C>T (p.Thr1568Ile)

Gene: TOP2B (DNA topoisomerase II beta; minus strand). Cytogenetic location: 3p24.2.
Variant type: single nucleotide variant.
Coding change: c.4703C>T on transcript NM_001330700.2 (MANE Select); coding-DNA position 4703, C replaced by T.
Protein change: p.Thr1568Ile; replaces threonine 1568 with isoleucine.
Molecular consequence: missense variant.
Genome position (GRCh38, 1-based): chr3:25,599,442, G>A on the plus strand (C>T on the coding strand, the complement: TOP2B is on the minus strand). VCF-style: chr3-25599442-G-A. GRCh37 (hg19) VCF-style: chr3-25640933-G-A.
Other names: c.4688C>T, p.Thr1563Ile (NM_001068.3); short protein forms T1563I, T1568I.
Identifiers: ClinVar variation 3181198 (VCV003181198.2), dbSNP rs924112348, ClinGen allele CA351890238.